The following is an entry in ClinVar:

NM_005518.4(HMGCS2):c.1405C>G (p.Gln469Glu)

Gene: HMGCS2 (3-hydroxy-3-methylglutaryl-CoA synthase 2; minus strand). Cytogenetic location: 1p12.
Variant type: single nucleotide variant.
Coding change: c.1405C>G on transcript NM_005518.4 (MANE Select); coding-DNA position 1405, C replaced by G.
Protein change: p.Gln469Glu; replaces glutamine 469 with glutamic acid.
Molecular consequence: missense variant.
Genome position (GRCh38, 1-based): chr1:119,752,564, G>C on the plus strand (C>G on the coding strand, the complement: HMGCS2 is on the minus strand). VCF-style: chr1-119752564-G-C. GRCh37 (hg19) VCF-style: chr1-120295187-G-C.
Other names: c.1279C>G, p.Gln427Glu (NM_001166107.1); short protein forms Q427E, Q469E.
Identifiers: ClinVar variation 1444750 (VCV001444750.8), dbSNP rs754218759, ClinGen allele CA341857157.

ClinVar aggregate classification (germline): Uncertain significance (1 of 4 stars; one submission).

Conditions:
3-hydroxy-3-methylglutaryl-CoA synthase deficiency (HMGCS2D). Also called: HMGCS2 DEFICIENCY; MITOCHONDRIAL HMG-CoA SYNTHASE DEFICIENCY; HMG-CoA synthase-2 deficiency. Identifiers: Orphanet 35701, MedGen C2751532, MONDO:0011614, OMIM 605911.

Allele frequency attached by ClinVar (database versions not stated): TOPMed below 0.00001; gnomAD 0.00001.
gnomAD v4.1: 3 of 1,613,776 alleles (0.00019%); highest among the groups gnomAD compares: Non-Finnish European, 0.00017%; no homozygotes.

Submission:

Labcorp Genetics (formerly Invitae), Labcorp
Classification: Uncertain significance for 3-hydroxy-3-methylglutaryl-CoA synthase deficiency. Last evaluated: 2021-06-23. Review status: criteria provided, single submitter. Criteria: Invitae Variant Classification Sherloc (09022015). Collection method: clinical testing. Allele origin: germline.
Comment: In summary, the available evidence is currently insufficient to determine the role of this variant in disease. Therefore, it has been classified as a Variant of Uncertain Significance. Algorithms developed to predict the effect of missense changes on protein structure and function (SIFT, PolyPhen-2, Align-GVGD) all suggest that this variant is likely to be tolerated, but these predictions have not been confirmed by published functional studies and their clinical significance is uncertain. This variant has not been reported in the literature in individuals with HMGCS2-related conditions. This variant is not present in population databases (ExAC no frequency). This sequence change replaces glutamine with glutamic acid at codon 469 of the HMGCS2 protein (p.Gln469Glu). The glutamine residue is moderately conserved and there is a small physicochemical difference between glutamine and glutamic acid.